The following is an entry in ClinVar:

ClinVar aggregate classification (germline): Uncertain significance. Review status: criteria provided, multiple submitters, no conflicts (2 of 4 stars). 2 submissions from 2 submitters: Uncertain significance (2). Last evaluated 2026-05-28.

Conditions:
Dyskeratosis congenita, autosomal recessive 5 (DKCB5). Identifiers: MedGen C3554656, MONDO:0014076, OMIM 615190.
Pulmonary fibrosis and/or bone marrow failure, Telomere-related, 3. Also called: PULMONARY FIBROSIS AND/OR BONE MARROW FAILURE SYNDROME, TELOMERE-RELATED, 3. Identifiers: Orphanet 2032, MedGen C4225346, MONDO:0014613, OMIM 616373.
Inborn genetic diseases. Identifiers: MedGen C0950123, MeSH D030342.

Submissions (2):

Ambry Genetics
Classification: Uncertain significance for Inborn genetic diseases. Last evaluated: 2026-05-28. Review status: criteria provided, single submitter. Criteria: Ambry Variant Classification Scheme 2023. Collection method: clinical testing. Allele origin: germline.
Comment: The p.Q1229H variant (also known as c.3687G>C), located in coding exon 33 of the RTEL1 gene, results from a G to C substitution at nucleotide position 3687. The glutamine at codon 1229 is replaced by histidine, an amino acid with highly similar properties. This amino acid position is conserved. In addition, this alteration is predicted to be tolerated by in silico analysis. Based on the available evidence, the clinical significance of this variant remains unclear.

Labcorp Genetics (formerly Invitae), Labcorp
Classification: Uncertain significance for Dyskeratosis congenita, autosomal recessive 5; Pulmonary fibrosis and/or bone marrow failure, Telomere-related, 3. Last evaluated: 2024-12-06. Review status: criteria provided, single submitter. Criteria: Invitae Variant Classification Sherloc (09022015). Collection method: clinical testing. Allele origin: germline.
Comment: This sequence change replaces glutamine, which is neutral and polar, with histidine, which is basic and polar, at codon 1229 of the RTEL1 protein (p.Gln1229His). This variant is not present in population databases (gnomAD no frequency). This variant has not been reported in the literature in individuals affected with RTEL1-related conditions. An algorithm developed to predict the effect of missense changes on protein structure and function (PolyPhen-2) suggests that this variant is likely to be tolerated. In summary, the available evidence is currently insufficient to determine the role of this variant in disease. Therefore, it has been classified as a Variant of Uncertain Significance.

NM_001283009.2(RTEL1):c.3687G>C (p.Gln1229His)

Genes: RTEL1 (regulator of telomere elongation helicase 1; plus strand), RTEL1-TNFRSF6B (RTEL1-TNFRSF6B readthrough (NMD candidate); plus strand). Cytogenetic location: 20q13.33.
Variant type: single nucleotide variant.
Coding change: c.3687G>C on transcript NM_001283009.2 (MANE Select); coding-DNA position 3687, G replaced by C.
Protein change: p.Gln1229His; replaces glutamine 1229 with histidine.
Molecular consequence: missense variant. On other transcripts: non-coding transcript variant (1), intron variant (3).
Genome position (GRCh38, 1-based): chr20:63,695,515, G>C. VCF-style: chr20-63695515-G-C. GRCh37 (hg19) VCF-style: chr20-62326868-G-C.
Other names: c.2983+35G>C (NM_001283010.1); c.3724+35G>C (NM_032957.5); c.3652+35G>C (NM_016434.4); short protein forms Q1229H.
Identifiers: ClinVar variation 3762041 (VCV003762041.3).
Genomic context (GRCh38, chr20:63,695,515, plus strand): 5'-CCACGGGCCTGCAGCATCTGAGTGGGGTGAGCCTCATGGGAGAGACATCGCTGGGCAGCA[G>C]GCCACGGGAGCTCCGGGCGGGCCCCTCTCAGCAGGCTGTGTGTGCCAGGGCTGTGGGGCA-3'
Protein context (NP_001269938.1, residues 1219-1239): EPHGRDIAGQ[Gln1229His]ATGAPGGPLS